The following is an entry in ClinVar:

NM_001370466.1(NOD2):c.2408G>A (p.Arg803Gln)

Gene: NOD2 (nucleotide binding oligomerization domain containing 2; plus strand). Cytogenetic location: 16q12.1.
Variant type: single nucleotide variant.
Coding change: c.2408G>A on transcript NM_001370466.1 (MANE Select); coding-DNA position 2408, G replaced by A.
Protein change: p.Arg803Gln; replaces arginine 803 with glutamine.
Molecular consequence: missense variant. On other transcripts: non-coding transcript variant (1).
Genome position (GRCh38, 1-based): chr16:50,716,613, G>A. VCF-style: chr16-50716613-G-A. GRCh37 (hg19) VCF-style: chr16-50750524-G-A.
Other names: c.2408G>A, p.Arg803Gln (NM_001293557.2); c.2489G>A, p.Arg830Gln (NM_022162.3); c.2489G>A (LRG_177t1); short protein forms R830Q, R803Q.
Identifiers: ClinVar variation 319467 (VCV000319467.14), dbSNP rs770915641, ClinGen allele CA8051803.
Genomic context (GRCh38, chr16:50,716,613, plus strand): 5'-TCCATTTTCAAATGTATTTATTTTGTCTCTTTAGTTTGCGCGATAACAATATCTCAGACC[G>A]AGGCATCTGCAAGCTCATTGAATGTGCTCTTCACTGCGAGCAATTGCAGAAGTTAGCGTA-3'
Protein context (NP_001357395.1, residues 793-813): LYLRDNNISD[Arg803Gln]GICKLIECAL

ClinVar aggregate classification (germline): Conflicting classifications of pathogenicity. Review status: criteria provided, conflicting classifications (1 of 4 stars). 4 submissions from 3 submitters: Uncertain significance (3); Likely benign (1). Last evaluated 2025-05-18.

Conditions:
Blau syndrome (BLAUS). Also called: GRANULOMATOSIS, FAMILIAL JUVENILE SYSTEMIC; GRANULOMATOSIS, FAMILIAL, BLAU TYPE; GRANULOMATOUS INFLAMMATORY ARTHRITIS, DERMATITIS, AND UVEITIS, FAMILIAL; JABS SYNDROME; ARTHROCUTANEOUVEAL GRANULOMATOSIS. Identifiers: Orphanet 90340, MedGen C5201146, MONDO:0008523, OMIM 186580.
Regional enteritis. Also called: Enteritis, Granulomatous. Identifiers: MedGen C0678202, MeSH D003424.
Inflammatory bowel disease 1 (IBD1). Also called: INFLAMMATORY BOWEL DISEASE (CROHN DISEASE) 1; Inflammatory bowel disease 1, Crohn disease. Identifiers: MedGen CN260071, MONDO:0009960, OMIM 266600.

Allele frequency attached by ClinVar (database versions not stated): TOPMed 0.00002; gnomAD 0.00003 and 0.00004.
gnomAD v4.1: 85 of 1,613,988 alleles (0.0053%); highest among the groups gnomAD compares: Non-Finnish European, 0.006%; no homozygotes.

Submissions (4):

Labcorp Genetics (formerly Invitae), Labcorp
Classification: Uncertain significance for Regional enteritis; Blau syndrome. Last evaluated: 2025-05-18. Review status: criteria provided, single submitter. Criteria: Invitae Variant Classification Sherloc (09022015). Collection method: clinical testing. Allele origin: germline.
Comment: This sequence change replaces arginine, which is basic and polar, with glutamine, which is neutral and polar, at codon 830 of the NOD2 protein (p.Arg830Gln). This variant is present in population databases (rs770915641, gnomAD 0.006%). This missense change has been observed in individual(s) with Crohn's disease (PMID: 16278823, 16804397). ClinVar contains an entry for this variant (Variation ID: 319467). Invitae Evidence Modeling of protein sequence and biophysical properties (such as structural, functional, and spatial information, amino acid conservation, physicochemical variation, residue mobility, and thermodynamic stability) indicates that this missense variant is not expected to disrupt NOD2 protein function with a negative predictive value of 95%. In summary, the available evidence is currently insufficient to determine the role of this variant in disease. Therefore, it has been classified as a Variant of Uncertain Significance.

Blueprint Genetics
Classification: Uncertain significance. Last evaluated: 2024-09-02. Review status: criteria provided, single submitter. Criteria: ACMG Guidelines, 2015. Collection method: clinical testing. Allele origin: germline.

Illumina Laboratory Services, Illumina
Classification: Uncertain significance for Inflammatory bowel disease 1. Last evaluated: 2018-01-13. Review status: criteria provided, single submitter. Criteria: ICSL Variant Classification Criteria 13 December 2019. Collection method: clinical testing. Allele origin: germline.

Illumina Laboratory Services, Illumina
Classification: Likely benign for Blau syndrome. Last evaluated: 2018-01-13. Review status: criteria provided, single submitter. Criteria: ICSL Variant Classification Criteria 13 December 2019. Collection method: clinical testing. Allele origin: germline.
Comment: This variant was observed in the ICSL laboratory as part of a predisposition screen in an ostensibly healthy population. It had not been previously curated by ICSL or reported in the Human Gene Mutation Database (HGMD: prior to June 1st, 2018), and was therefore a candidate for classification through an automated scoring system. Utilizing variant allele frequency, disease prevalence and penetrance estimates, and inheritance mode, an automated score was calculated to assess if this variant is too frequent to cause the disease. Based on the score and internal cut-off values, a variant classified as likely benign is not then subjected to further curation. The score for this variant resulted in a classification of likely benign for this disease.

Literature cited by the submitters: PubMed 16278823 (cited by Labcorp Genetics (formerly Invitae), Labcorp); PubMed 16804397 (cited by Labcorp Genetics (formerly Invitae), Labcorp).